The following is an entry in ClinVar:

NM_000180.4(GUCY2D):c.1629C>T (p.Pro543=)

Gene: GUCY2D (guanylate cyclase 2D, retinal; plus strand). Cytogenetic location: 17p13.1.
Variant type: single nucleotide variant.
Coding change: c.1629C>T on transcript NM_000180.4 (MANE Select); coding-DNA position 1629, C replaced by T.
Protein change: p.Pro543=; no amino-acid change (proline 543 retained).
Molecular consequence: synonymous variant.
Genome position (GRCh38, 1-based): chr17:8,007,993, C>T. VCF-style: chr17-8007993-C-T. GRCh37 (hg19) VCF-style: chr17-7911311-C-T.
Identifiers: ClinVar variation 3054768 (VCV003054768.2), dbSNP rs2545421735, ClinGen allele CA497750133.

ClinVar aggregate classification (germline): Likely benign (0 of 4 stars; one submission).

Conditions:
GUCY2D-related disorder. Also called: GUCY2D-related condition.

Allele frequency attached by ClinVar (database versions not stated): gnomAD exomes below 0.00001.
gnomAD v4.1: 4 of 1,613,678 alleles (0.00025%); highest among the groups gnomAD compares: Non-Finnish European, 0.00025%; no homozygotes.

Submission:

PreventionGenetics, part of Exact Sciences
Classification: Likely benign for GUCY2D-related condition. Last evaluated: 2020-05-12. Review status: no assertion criteria provided. Collection method: clinical testing. Allele origin: germline.
Comment: This variant is classified as likely benign based on ACMG/AMP sequence variant interpretation guidelines (Richards et al. 2015 PMID: 25741868, with internal and published modifications).